The following is an entry in ClinVar:

NM_003901.4(SGPL1):c.932C>G (p.Pro311Arg)

Gene: SGPL1 (sphingosine-1-phosphate lyase 1; plus strand). Cytogenetic location: 10q22.1.
Variant type: single nucleotide variant.
Coding change: c.932C>G on transcript NM_003901.4 (MANE Select); coding-DNA position 932, C replaced by G.
Protein change: p.Pro311Arg; replaces proline 311 with arginine.
Molecular consequence: missense variant. On other transcripts: non-coding transcript variant (1).
Genome position (GRCh38, 1-based): chr10:70,871,859, C>G. VCF-style: chr10-70871859-C-G. GRCh37 (hg19) VCF-style: chr10-72631616-C-G.
Other names: c.692C>G, p.Pro231Arg (NM_001437828.1); c.965C>G, p.Pro322Arg (NM_001438353.1); c.932C>G, p.Pro311Arg (NM_001438354.1, NM_001438355.1, NM_001438356.1 and 1 more transcripts); short protein forms P231R, P322R, P311R.
Identifiers: ClinVar variation 4766793 (VCV004766793.2).
Genomic context (GRCh38, chr10:70,871,859, plus strand): 5'-AAGGAAATTCTCTTATGTTCTTTGTTTTTTGGAACAAGCTGGCTGTCAAATACAAAATAC[C>G]CCTTCATGTCGACGCTTGTCTGGGAGGCTTCCTCATCGTCTTTATGGAGAAAGCAGGATA-3'
Protein context (NP_003892.2, residues 301-321): VAKLAVKYKI[Pro311Arg]LHVDACLGGF

ClinVar aggregate classification (germline): Uncertain significance. Review status: criteria provided, multiple submitters, no conflicts (2 of 4 stars). 2 submissions from 2 submitters: Uncertain significance (2). Last evaluated 2025-05-01.

Submissions (2):

Labcorp Genetics (formerly Invitae), Labcorp
Classification: Uncertain significance. Last evaluated: 2025-05-01. Review status: criteria provided, single submitter. Criteria: Invitae Variant Classification Sherloc (09022015). Collection method: clinical testing. Allele origin: germline.
Comment: This sequence change replaces proline, which is neutral and non-polar, with arginine, which is basic and polar, at codon 311 of the SGPL1 protein (p.Pro311Arg). This variant is not present in population databases (gnomAD no frequency). This missense change has been observed in individual(s) with congenital nephrotic syndrome (PMID: 35972040). Invitae Evidence Modeling of protein sequence and biophysical properties (such as structural, functional, and spatial information, amino acid conservation, physicochemical variation, residue mobility, and thermodynamic stability) indicates that this missense variant is expected to disrupt SGPL1 protein function with a positive predictive value of 80%. In summary, the available evidence is currently insufficient to determine the role of this variant in disease. Therefore, it has been classified as a Variant of Uncertain Significance.

Blueprint Genetics
Classification: Uncertain significance. Last evaluated: 2020-04-22. Review status: criteria provided, single submitter. Criteria: ACMG Guidelines, 2015. Collection method: clinical testing. Allele origin: germline.

Literature cited by the submitters: PubMed 35972040 (cited by Labcorp Genetics (formerly Invitae), Labcorp).